The following is an entry in ClinVar:

ClinVar aggregate classification (germline): Uncertain significance (1 of 4 stars; one submission).

Conditions:
Marfan syndrome (MFS). Also called: Marfan syndrome type 1; Marfan's syndrome; FBN1-Related Marfan Syndrome; MARFAN SYNDROME, TYPE I; Marfan syndrome, classic. Identifiers: Orphanet 284963, Orphanet 558, MedGen C0024796, MONDO:0007947, OMIM 154700.
Familial thoracic aortic aneurysm and aortic dissection (TAAD). Also called: Thoracic aortic aneurysms and dissections. Identifiers: Orphanet 91387, MedGen C4707243, MONDO:0019625.

Allele frequency attached by ClinVar (database versions not stated): gnomAD exomes below 0.00001; ExAC 0.00001.

Submission:

Labcorp Genetics (formerly Invitae), Labcorp
Classification: Uncertain significance for Marfan syndrome; Familial thoracic aortic aneurysm and aortic dissection. Last evaluated: 2021-08-04. Review status: criteria provided, single submitter. Criteria: Invitae Variant Classification Sherloc (09022015). Collection method: clinical testing. Allele origin: germline.
Comment: In summary, the available evidence is currently insufficient to determine the role of this variant in disease. Therefore, it has been classified as a Variant of Uncertain Significance. Algorithms developed to predict the effect of sequence changes on RNA splicing suggest that this variant may create or strengthen a splice site. Algorithms developed to predict the effect of missense changes on protein structure and function are either unavailable or do not agree on the potential impact of this missense change (SIFT: "Deleterious"; PolyPhen-2: "Possibly Damaging"; Align-GVGD: "Class C0"). This variant has not been reported in the literature in individuals affected with FBN1-related conditions. This variant is present in population databases (rs781395141, ExAC 0.002%). This sequence change replaces asparagine with serine at codon 1925 of the FBN1 protein (p.Asn1925Ser). The asparagine residue is highly conserved and there is a small physicochemical difference between asparagine and serine.

NM_000138.5(FBN1):c.5774A>G (p.Asn1925Ser)

Gene: FBN1 (fibrillin 1; minus strand). Cytogenetic location: 15q21.1.
Variant type: single nucleotide variant.
Coding change: c.5774A>G on transcript NM_000138.5 (MANE Select); coding-DNA position 5774, A replaced by G.
Protein change: p.Asn1925Ser; replaces asparagine 1925 with serine.
Molecular consequence: missense variant.
Genome position (GRCh38, 1-based): chr15:48,446,720, T>C on the plus strand (A>G on the coding strand, the complement: FBN1 is on the minus strand). VCF-style: chr15-48446720-T-C. GRCh37 (hg19) VCF-style: chr15-48738917-T-C.
Other names: short protein forms N1925S.
Identifiers: ClinVar variation 1372341 (VCV001372341.6), dbSNP rs781395141, ClinGen allele CA055509.
Genomic context (GRCh38, chr15:48,446,720, plus strand): 5'-ATATAAAACTGACTTCCTTTGCTGATGCACAATTTTGCACACGCACCTATACAGTCATTG[T>C]TGTGAGAAAGGATGAAACCATGATTGCAGCGGCAGTTGAAGGAACCAATTGTGTTCCGGC-3'
Protein context (NP_000129.3, residues 1915-1935): RCNHGFILSH[Asn1925Ser]NDCIDVDECA